The following is an entry in ClinVar:

ClinVar aggregate classification (germline): Likely benign. Review status: criteria provided, multiple submitters, no conflicts (2 of 4 stars). 4 submissions from 4 submitters: Likely benign (4). Last evaluated 2025-06-07.

Conditions:
Charcot-Marie-Tooth disease type 2. Also called: Charcot-Marie-Tooth type 2. Identifiers: Orphanet 64746, MedGen C0270914, MONDO:0018993.
Cardiovascular phenotype. Identifiers: MedGen CN230736.
Cardiomyopathy (CMYO). Also called: Cardiomyopathies. Identifiers: Orphanet 167848, MedGen C0878544, MONDO:0004994, HP:0001638. Inheritance: Various modes of inheritance.
Primary dilated cardiomyopathy (DCM). Also called: Dilated Cardiomyopathy. Identifiers: Orphanet 217604, MedGen C0007193, MeSH D002311, MONDO:0005021, HP:0001644. Inheritance: Various modes of inheritance.

Allele frequency attached by ClinVar (database versions not stated): gnomAD 0.00001.
gnomAD v4.1: 6 of 1,613,982 alleles (0.00037%); highest among the groups gnomAD compares: East Asian, 0.0089%; no homozygotes.

Submissions (4):

Ambry Genetics
Classification: Likely benign for Cardiovascular phenotype. Last evaluated: 2025-06-07. Review status: criteria provided, single submitter. Criteria: Ambry Variant Classification Scheme 2023. Collection method: clinical testing. Allele origin: germline.

All of Us Research Program, National Institutes of Health
Classification: Likely benign for Primary dilated cardiomyopathy. Last evaluated: 2024-01-11. Review status: criteria provided, single submitter. Criteria: ACMG Guidelines, 2015. Collection method: clinical testing. Allele origin: germline. Inheritance: Autosomal dominant inheritance. Observed: 1 variant allele, 1 heterozygote.
Comment: This study involves interpretation of variants in research participants for the purpose of population health screening. Participant phenotype was not available at the time of variant classification. Additional details can be found in publication PMID: 35346344, PMCID: PMC8962531

Labcorp Genetics (formerly Invitae), Labcorp
Classification: Likely benign for Charcot-Marie-Tooth disease type 2. Last evaluated: 2022-07-15. Review status: criteria provided, single submitter. Criteria: Invitae Variant Classification Sherloc (09022015). Collection method: clinical testing. Allele origin: germline.

Color Diagnostics, LLC DBA Color Health
Classification: Likely benign for Cardiomyopathy. Last evaluated: 2021-02-16. Review status: criteria provided, single submitter. Criteria: ACMG Guidelines, 2015. Collection method: clinical testing. Allele origin: germline.

NM_170707.4(LMNA):c.1027C>A (p.Arg343=)

Gene: LMNA (lamin A/C; plus strand). Cytogenetic location: 1q22.
Variant type: single nucleotide variant.
Coding change: c.1027C>A on transcript NM_170707.4 (MANE Select); coding-DNA position 1027, C replaced by A.
Protein change: p.Arg343=; no amino-acid change (arginine 343 retained).
Molecular consequence: synonymous variant.
Genome position (GRCh38, 1-based): chr1:156,135,991, C>A. VCF-style: chr1-156135991-C-A. GRCh37 (hg19) VCF-style: chr1-156105782-C-A.
Other names: c.691C>A, p.Arg231= (NM_001257374.3); c.784C>A, p.Arg262= (NM_001282624.2); c.1027C>A, p.Arg343= (NM_001282625.2, NM_001282626.2, NM_005572.4 and 1 more transcripts).
Identifiers: ClinVar variation 1118780 (VCV001118780.13), dbSNP rs749784223, ClinGen allele CA048819.
Genomic context (GRCh38, chr1:156,135,991, plus strand): 5'-CTGGAGGACTCACTGGCCCGTGAGCGGGACACCAGCCGGCGGCTGCTGGCGGAAAAGGAG[C>A]GGGAGATGGCCGAGATGCGGGCAAGGATGCAGCAGCAGCTGGACGAGTACCAGGAGCTTC-3'
Protein context (NP_733821.1, residues 333-353): TSRRLLAEKE[Arg343=]EMAEMRARMQ